The following is an entry in ClinVar:

ClinVar aggregate classification (germline): Uncertain significance (1 of 4 stars; one submission).

Conditions:
Desmin-related myofibrillar myopathy (MFM1). Also called: Myofibrillar myopathy 1; Desminopathy; Desmin related myopathy (former name); Desmin storage myopathy (former name); MYOFIBRILLAR MYOPATHY WITH ARRHYTHMOGENIC RIGHT VENTRICULAR CARDIOMYOPATHY; DESMIN-RELATED MYOPATHY WITH ARRHYTHMOGENIC RIGHT VENTRICULAR CARDIOMYOPATHY. Identifiers: Orphanet 363543, Orphanet 98909, MedGen C1832370, MONDO:0011076, OMIM 601419.

Allele frequency attached by ClinVar (database versions not stated): gnomAD exomes below 0.00001.
gnomAD v4.1: 1 of 1,561,804 alleles (0.000064%); highest among the groups gnomAD compares: Non-Finnish European, 0.000087%; no homozygotes.

Submission:

Labcorp Genetics (formerly Invitae), Labcorp
Classification: Uncertain significance for Desmin-related myofibrillar myopathy. Last evaluated: 2022-05-03. Review status: criteria provided, single submitter. Criteria: Invitae Variant Classification Sherloc (09022015). Collection method: clinical testing. Allele origin: germline.
Comment: This sequence change replaces leucine, which is neutral and non-polar, with proline, which is neutral and non-polar, at codon 93 of the DES protein (p.Leu93Pro). In summary, the available evidence is currently insufficient to determine the role of this variant in disease. Therefore, it has been classified as a Variant of Uncertain Significance. Algorithms developed to predict the effect of missense changes on protein structure and function are either unavailable or do not agree on the potential impact of this missense change (SIFT: "Deleterious"; PolyPhen-2: "Probably Damaging"; Align-GVGD: "Class C0"). This variant has not been reported in the literature in individuals affected with DES-related conditions. This variant is not present in population databases (gnomAD no frequency).

NM_001927.4(DES):c.278T>C (p.Leu93Pro)

Gene: DES (desmin; plus strand). Cytogenetic location: 2q35.
Variant type: single nucleotide variant.
Coding change: c.278T>C on transcript NM_001927.4 (MANE Select); coding-DNA position 278, T replaced by C.
Protein change: p.Leu93Pro; replaces leucine 93 with proline.
Molecular consequence: missense variant.
Genome position (GRCh38, 1-based): chr2:219,418,740, T>C. VCF-style: chr2-219418740-T-C. GRCh37 (hg19) VCF-style: chr2-220283462-T-C.
Other names: c.278T>C, p.Leu93Pro (NM_001382708.1, NM_001382709.1, NM_001382710.1 and 3 more transcripts); short protein forms L93P.
Identifiers: ClinVar variation 2132581 (VCV002132581.4), dbSNP rs2545247026, ClinGen allele CA350684789.